The following is an entry in ClinVar:

ClinVar aggregate classification (germline): Likely benign (0 of 4 stars; one submission).

Conditions:
MAST1-related disorder. Also called: MAST1-related condition.

Allele frequency attached by ClinVar (database versions not stated): gnomAD 0.00001; ExAC 0.00003.
gnomAD v4.1: 16 of 1,596,814 alleles (0.001%); highest among the groups gnomAD compares: Middle Eastern, 0.017%; no homozygotes.

Submission:

PreventionGenetics, part of Exact Sciences
Classification: Likely benign for MAST1-related condition. Last evaluated: 2022-11-09. Review status: no assertion criteria provided. Collection method: clinical testing. Allele origin: germline.
Comment: This variant is classified as likely benign based on ACMG/AMP sequence variant interpretation guidelines (Richards et al. 2015 PMID: 25741868, with internal and published modifications).

NM_014975.3(MAST1):c.4176G>A (p.Gln1392=)

Gene: MAST1 (microtubule associated serine/threonine kinase 1; plus strand). Cytogenetic location: 19p13.13.
Variant type: single nucleotide variant.
Coding change: c.4176G>A on transcript NM_014975.3 (MANE Select); coding-DNA position 4176, G replaced by A.
Protein change: p.Gln1392=; no amino-acid change (glutamine 1392 retained).
Molecular consequence: synonymous variant.
Genome position (GRCh38, 1-based): chr19:12,874,333, G>A. VCF-style: chr19-12874333-G-A. GRCh37 (hg19) VCF-style: chr19-12985147-G-A.
Identifiers: ClinVar variation 3054819 (VCV003054819.2), dbSNP rs767536510, ClinGen allele CA9233532.